The following is an entry in ClinVar:

ClinVar aggregate classification (germline): Uncertain significance (1 of 4 stars; one submission).

Submission:

Labcorp Genetics (formerly Invitae), Labcorp
Classification: Uncertain significance. Last evaluated: 2021-02-15. Review status: criteria provided, single submitter. Criteria: Invitae Variant Classification Sherloc (09022015). Collection method: clinical testing. Allele origin: germline.
Comment: In summary, the available evidence is currently insufficient to determine the role of this variant in disease. Therefore, it has been classified as a Variant of Uncertain Significance. Algorithms developed to predict the effect of missense changes on protein structure and function (SIFT, PolyPhen-2, Align-GVGD) all suggest that this variant is likely to be tolerated, but these predictions have not been confirmed by published functional studies and their clinical significance is uncertain. This variant has not been reported in the literature in individuals with POLR3A-related conditions. This variant is not present in population databases (ExAC no frequency). This sequence change replaces proline with alanine at codon 236 of the POLR3A protein (p.Pro236Ala). The proline residue is moderately conserved and there is a small physicochemical difference between proline and alanine.

NM_007055.4(POLR3A):c.706C>G (p.Pro236Ala)

Gene: POLR3A (RNA polymerase III subunit A; minus strand). Cytogenetic location: 10q22.3.
Variant type: single nucleotide variant.
Coding change: c.706C>G on transcript NM_007055.4 (MANE Select); coding-DNA position 706, C replaced by G.
Protein change: p.Pro236Ala; replaces proline 236 with alanine.
Molecular consequence: missense variant.
Genome position (GRCh38, 1-based): chr10:78,022,324, G>C on the plus strand (C>G on the coding strand, the complement: POLR3A is on the minus strand). VCF-style: chr10-78022324-G-C. GRCh37 (hg19) VCF-style: chr10-79782082-G-C.
Other names: short protein forms P236A.
Identifiers: ClinVar variation 1385891 (VCV001385891.8), dbSNP rs1351346206, ClinGen allele CA377345433.